The following is an entry in ClinVar:

ClinVar aggregate classification (germline): Likely pathogenic (1 of 4 stars; one submission).

Conditions:
Lynch syndrome 5 (LYNCH5). Also called: Colorectal cancer, hereditary nonpolyposis, type 5; Hereditary non-polyposis colorectal cancer, type 5. Identifiers: Orphanet 144, MedGen C1833477, MONDO:0013710, OMIM 614350. Disease mechanism: loss of function.

Submission:

Myriad Genetics, Inc.
Classification: Likely pathogenic for Lynch syndrome 5. Last evaluated: 2023-08-23. Review status: criteria provided, single submitter. Criteria: Myriad Autosomal Dominant, Autosomal Recessive and X-Linked Classification Criteria (2023). Collection method: clinical testing. Allele origin: unknown.
Comment: This variant is considered likely pathogenic. Functional studies indicate this variant impacts protein function [PMID: 31965077]. This variant is expected to disrupt protein structure [Myriad internal data].

Literature cited by the submitters: PubMed 31965077.

NM_000179.3(MSH6):c.3408T>G (p.Asn1136Lys)

Gene: MSH6 (mutS homolog 6; plus strand). Cytogenetic location: 2p16.3.
Variant type: single nucleotide variant.
Coding change: c.3408T>G on transcript NM_000179.3 (MANE Select); coding-DNA position 3408, T replaced by G.
Protein change: p.Asn1136Lys; replaces asparagine 1136 with lysine.
Molecular consequence: missense variant. On other transcripts: non-coding transcript variant (5).
Genome position (GRCh38, 1-based): chr2:47,803,655, T>G. VCF-style: chr2-47803655-T-G. GRCh37 (hg19) VCF-style: chr2-48030794-T-G.
Other names: c.3018T>G, p.Asn1006Lys (NM_001281492.2); c.2502T>G, p.Asn834Lys (NM_001281493.2, NM_001281494.2, NM_001406811.1 and 6 more transcripts); c.3504T>G, p.Asn1168Lys (NM_001406795.1, NM_001406802.1); c.3408T>G, p.Asn1136Lys (NM_001406796.1, NM_001406800.1, NM_001406808.1 and 1 more transcripts); c.3111T>G, p.Asn1037Lys (NM_001406797.1, NM_001406801.1, NM_001406805.1 and 10 more transcripts); c.3234T>G, p.Asn1078Lys (NM_001406798.1); c.2883T>G, p.Asn961Lys (NM_001406799.1, NM_001406806.1, NM_001406807.1); c.2544T>G, p.Asn848Lys (NM_001406803.1); and 7 more; short protein forms N1006K, N1037K, N1078K, N1080K, N1110K, N1136K, N1138K, N1168K.
Identifiers: ClinVar variation 2673581 (VCV002673581.1), dbSNP rs2104485089, ClinGen allele CA346758895.